The following is an entry in ClinVar:

ClinVar aggregate classification (germline): Pathogenic (1 of 4 stars; one submission).

Conditions:
Neurofibromatosis, type 1 (NF1). Also called: Peripheral type neurofibromatosis; Neurofibromatosis, type I; VON RECKLINGHAUSEN DISEASE; NEUROFIBROMATOSIS, TYPE I, SOMATIC. Identifiers: Orphanet 636, MedGen C0027831, MONDO:0018975, OMIM 162200. Disease mechanism: loss of function.

Submission:

Labcorp Genetics (formerly Invitae), Labcorp
Classification: Pathogenic for Neurofibromatosis, type 1. Last evaluated: 2023-11-17. Review status: criteria provided, single submitter. Criteria: Invitae Variant Classification Sherloc (09022015). Collection method: clinical testing. Allele origin: germline.
Comment: This sequence change creates a premature translational stop signal (p.Lys2643Leufs*16) in the NF1 gene. It is expected to result in an absent or disrupted protein product. Loss-of-function variants in NF1 are known to be pathogenic (PMID: 10712197, 23913538). This variant is not present in population databases (gnomAD no frequency). This variant has not been reported in the literature in individuals affected with NF1-related conditions. ClinVar contains an entry for this variant (Variation ID: 946185). For these reasons, this variant has been classified as Pathogenic.

Literature cited by the submitters: PubMed 10712197; PubMed 23913538.

NM_001042492.3(NF1):c.7989_7990insTT (p.Lys2664fs)

Gene: NF1 (neurofibromin 1; plus strand). Cytogenetic location: 17q11.2.
Variant type: Insertion.
Coding change: c.7989_7990insTT on transcript NM_001042492.3 (MANE Select); coding-DNA positions 7989 to 7990, TT inserted.
Protein change: p.Lys2664fs; shifts the reading frame from lysine 2664.
Molecular consequence: frameshift variant.
Genome position: GRCh38 VCF-style: chr17-31358497-C-CTT. GRCh37 (hg19) VCF-style: chr17-29685515-C-CTT.
Other names: c.7926_7927insTT, p.Lys2643Leufs (NM_000267.4); short protein forms K2664fs, K2643fs.
Identifiers: ClinVar variation 946185 (VCV000946185.6), dbSNP rs1555536882, ClinGen allele CA1139665304.